The following is an entry in ClinVar:

ClinVar aggregate classification (germline): Uncertain significance (1 of 4 stars; one submission).

Submission:

Labcorp Genetics (formerly Invitae), Labcorp
Classification: Uncertain significance. Last evaluated: 2025-11-17. Review status: criteria provided, single submitter. Criteria: Invitae Variant Classification Sherloc (09022015). Collection method: clinical testing. Allele origin: germline.
Comment: This sequence change replaces glutamine, which is neutral and polar, with arginine, which is basic and polar, at codon 12 of the NR2F1 protein (p.Gln12Arg). This variant is not present in population databases (gnomAD no frequency). This variant has not been reported in the literature in individuals affected with NR2F1-related conditions. ClinVar contains an entry for this variant (Variation ID: 2195960). Invitae Evidence Modeling of protein sequence and biophysical properties (such as structural, functional, and spatial information, amino acid conservation, physicochemical variation, residue mobility, and thermodynamic stability) has been performed for this missense variant. However, the output from this modeling did not meet the statistical confidence thresholds required to predict the impact of this variant on NR2F1 protein function. In summary, the available evidence is currently insufficient to determine the role of this variant in disease. Therefore, it has been classified as a Variant of Uncertain Significance.

NM_005654.6(NR2F1):c.35A>G (p.Gln12Arg)

Genes: NR2F1 (nuclear receptor subfamily 2 group F member 1; plus strand), NR2F1-AS1 (NR2F1 regulatory antisense RNA 1; minus strand). Cytogenetic location: 5q15.
Variant type: single nucleotide variant.
Coding change: c.35A>G on transcript NM_005654.6 (MANE Select); coding-DNA position 35, A replaced by G.
Protein change: p.Gln12Arg; replaces glutamine 12 with arginine.
Molecular consequence: missense variant.
Genome position (GRCh38, 1-based): chr5:93,585,058, A>G. VCF-style: chr5-93585058-A-G. GRCh37 (hg19) VCF-style: chr5-92920764-A-G.
Other names: short protein forms Q12R.
Identifiers: ClinVar variation 2195960 (VCV002195960.4), dbSNP rs2480800304, ClinGen allele CA360525384.